The following is an entry in ClinVar:

NM_017849.4(TMEM127):c.265A>G (p.Thr89Ala)

Gene: TMEM127 (transmembrane protein 127; minus strand). Cytogenetic location: 2q11.2.
Variant type: single nucleotide variant.
Coding change: c.265A>G on transcript NM_017849.4 (MANE Select); coding-DNA position 265, A replaced by G.
Protein change: p.Thr89Ala; replaces threonine 89 with alanine.
Molecular consequence: missense variant.
Genome position (GRCh38, 1-based): chr2:96,254,977, T>C on the plus strand (A>G on the coding strand, the complement: TMEM127 is on the minus strand). VCF-style: chr2-96254977-T-C. GRCh37 (hg19) VCF-style: chr2-96920715-T-C.
Other names: c.265A>G, p.Thr89Ala (NM_001193304.3); short protein forms T89A.
Identifiers: ClinVar variation 653466 (VCV000653466.8), dbSNP rs1573970344, ClinGen allele CA347653627.

ClinVar aggregate classification (germline): Uncertain significance (1 of 4 stars; one submission).

Conditions:
Hereditary pheochromocytoma and paraganglioma. Also called: Hereditary paragangliomas and pheochromocytomas; Hereditary pheochromocytoma-paraganglioma; Hereditary Paraganglioma-Pheochromocytoma Syndromes. Identifiers: Orphanet 29072, MedGen C4274332, MONDO:0017366.

Submission:

Labcorp Genetics (formerly Invitae), Labcorp
Classification: Uncertain significance for Hereditary pheochromocytoma and paraganglioma. Last evaluated: 2020-01-07. Review status: criteria provided, single submitter. Criteria: Invitae Variant Classification Sherloc (09022015). Collection method: clinical testing. Allele origin: germline.
Comment: In summary, the available evidence is currently insufficient to determine the role of this variant in disease. Therefore, it has been classified as a Variant of Uncertain Significance. Algorithms developed to predict the effect of missense changes on protein structure and function (SIFT, PolyPhen-2, Align-GVGD) all suggest that this variant is likely to be tolerated, but these predictions have not been confirmed by published functional studies and their clinical significance is uncertain. This variant has not been reported in the literature in individuals with TMEM127-related disease. This variant is not present in population databases (ExAC no frequency). This sequence change replaces threonine with alanine at codon 89 of the TMEM127 protein (p.Thr89Ala). The threonine residue is highly conserved and there is a small physicochemical difference between threonine and alanine.